The following is an entry in ClinVar:

NM_152641.4(ARID2):c.1919C>T (p.Pro640Leu)

Gene: ARID2 (AT-rich interaction domain 2; plus strand). Cytogenetic location: 12q12.
Variant type: single nucleotide variant.
Coding change: c.1919C>T on transcript NM_152641.4 (MANE Select); coding-DNA position 1919, C replaced by T.
Protein change: p.Pro640Leu; replaces proline 640 with leucine.
Molecular consequence: missense variant.
Genome position (GRCh38, 1-based): chr12:45,850,042, C>T. VCF-style: chr12-45850042-C-T. GRCh37 (hg19) VCF-style: chr12-46243825-C-T.
Other names: c.1919C>T, p.Pro640Leu (NM_001347839.2); short protein forms P640L.
Identifiers: ClinVar variation 5009672 (VCV005009672.1).

ClinVar aggregate classification (germline): Uncertain significance (1 of 4 stars; one submission).

Submission:

GeneDx
Classification: Uncertain significance. Last evaluated: 2026-02-19. Review status: criteria provided, single submitter. Criteria: GeneDx Variant Classification Process June 2021. Collection method: clinical testing. Allele origin: germline.
Comment: Not observed at significant frequency in large population cohorts (gnomAD); In silico analysis suggests that this missense variant does not alter protein structure/function; Has not been previously published as pathogenic or benign to our knowledge